The following is an entry in ClinVar:

NM_000059.4(BRCA2):c.6762dup (p.Thr2255fs)

Gene: BRCA2 (BRCA2 DNA repair associated; plus strand). Cytogenetic location: 13q13.1.
Variant type: Duplication.
Coding change: c.6762dup on transcript NM_000059.4 (MANE Select); coding-DNA position 6762, one base duplicated (T; older notation c.6762dupT).
Protein change: p.Thr2255fs; shifts the reading frame from threonine 2255.
Molecular consequence: frameshift variant. On other transcripts: non-coding transcript variant (1), intron variant (2).
Genome position (GRCh38, 1-based): chr13:32,341,117, T duplicated; the last of 5 consecutive T bases (chr13:32,341,113-32,341,117); duplicating any one gives the same sequence. VCF-style (leftmost placement, unchanged base first): chr13-32341112-C-CT. GRCh37 (hg19) VCF-style: chr13-32915249-C-CT.
Other names: c.6762dup, p.Thr2255fs (NM_001406719.1, NM_001406720.1, NM_001432077.1); c.1910-3441dup (NM_001406721.1); c.425-3441dup (NM_001406722.1); short protein forms T2255fs.
Identifiers: ClinVar variation 3683216 (VCV003683216.2).

ClinVar aggregate classification (germline): Pathogenic (1 of 4 stars; one submission).

Conditions:
Hereditary breast ovarian cancer syndrome. Also called: Hereditary breast and ovarian cancer syndrome (HBOC); BRCA1- and BRCA2-Associated Hereditary Breast and Ovarian Cancer; Breast and ovarian cancer; Hereditary breast and ovarian cancer; Hereditary breast and ovarian cancer syndrome; Hereditary breast and/or ovarian cancer syndrome. Identifiers: Orphanet 145, MedGen C0677776, MeSH D061325, MONDO:0003582. Disease mechanism: loss of function.

Submission:

Labcorp Genetics (formerly Invitae), Labcorp
Classification: Pathogenic for Hereditary breast ovarian cancer syndrome. Last evaluated: 2024-08-05. Review status: criteria provided, single submitter. Criteria: Invitae Variant Classification Sherloc (09022015). Collection method: clinical testing. Allele origin: germline.
Comment: This sequence change creates a premature translational stop signal (p.Thr2255Tyrfs*6) in the BRCA2 gene. It is expected to result in an absent or disrupted protein product. Loss-of-function variants in BRCA2 are known to be pathogenic (PMID: 20104584). This variant is not present in population databases (gnomAD no frequency). This variant has not been reported in the literature in individuals affected with BRCA2-related conditions. For these reasons, this variant has been classified as Pathogenic.

Literature cited by the submitters: PubMed 20104584.